The following is an entry in ClinVar:

NM_001167.4(XIAP):c.*5069A>T

Gene: XIAP (X-linked inhibitor of apoptosis; plus strand). Cytogenetic location: Xq25.
Variant type: single nucleotide variant.
Coding change: c.*5069A>T on transcript NM_001167.4 (MANE Select); 5069 bases downstream of the stop codon, A replaced by T.
Molecular consequence: 3 prime UTR variant. On other transcripts: non-coding transcript variant (2).
Genome position (GRCh38, 1-based): chrX:123,912,250, A>T. VCF-style: chrX-123912250-A-T. GRCh37 (hg19) VCF-style: chrX-123046100-A-T.
Other names: c.*5069A>T (NM_001204401.2, NM_001378590.1, NM_001378591.1 and 1 more transcripts).
Identifiers: ClinVar variation 367845 (VCV000367845.5), dbSNP rs5956584, ClinGen allele CA10508397.

ClinVar aggregate classification (germline): Benign (1 of 4 stars; one submission).

Conditions:
X-linked lymphoproliferative disease due to XIAP deficiency. Also called: XIAP DEFICIENCY; XIAP-Related Lymphoproliferative Disease, X-Linked. Identifiers: Orphanet 2442, Orphanet 538934, MedGen C1845076, MONDO:0010385, OMIM 300635.

Allele frequency attached by ClinVar (database versions not stated): ExAC 0.00274; gnomAD exomes 0.00378 and 0.01174; 1000 Genomes Project 0.02993; 1000 Genomes Project 30x 0.03580; TOPMed 0.03775; gnomAD 0.04425 and 0.04730.

Submission:

Illumina Laboratory Services, Illumina
Classification: Benign for X-linked lymphoproliferative disease due to XIAP deficiency. Last evaluated: 2017-04-27. Review status: criteria provided, single submitter. Criteria: ICSL Variant Classification Criteria 13 December 2019. Collection method: clinical testing. Allele origin: germline.
Comment: This variant was observed as part of a predisposition screen in an ostensibly healthy population. A literature search was performed for the gene, cDNA change, and amino acid change (where applicable). No publications were found based on this search. Allele frequency data from public databases was too high to be consistent with this variant causing disease. Therefore, this variant is classified as benign.